The following is an entry in ClinVar:

ClinVar aggregate classification (germline): Likely benign. Review status: criteria provided, multiple submitters, no conflicts (2 of 4 stars). 2 submissions from 2 submitters: Likely benign (2). Last evaluated 2024-09-28.

Conditions:
Emery-Dreifuss muscular dystrophy 4, autosomal dominant (EDMD4). Also called: EMERY-DREIFUSS MUSCULAR DYSTROPHY 4 WITH VARIABLE FEATURES. Identifiers: Orphanet 261, MedGen C2751807, MONDO:0013071, OMIM 612998.
Autosomal recessive ataxia, Beauce type. Also called: ATAXIA, RECESSIVE, OF BEAUCE; SYNE1-Related Autosomal Recessive Cerebellar Ataxia; Spinocerebellar ataxia, autosomal recessive 8; SYNE1 Deficiency. Identifiers: Orphanet 88644, MedGen C1853116, MONDO:0012549, OMIM 610743.

Allele frequency attached by ClinVar (database versions not stated): gnomAD 0.00001; TOPMed 0.00002; ExAC 0.00003; gnomAD exomes 0.00003.
gnomAD v4.1: 8 of 1,613,954 alleles (0.0005%); highest among the groups gnomAD compares: East Asian, 0.018%; no homozygotes.

Submissions (2):

Labcorp Genetics (formerly Invitae), Labcorp
Classification: Likely benign for Emery-Dreifuss muscular dystrophy 4, autosomal dominant; Autosomal recessive ataxia, Beauce type. Last evaluated: 2024-09-28. Review status: criteria provided, single submitter. Criteria: Invitae Variant Classification Sherloc (09022015). Collection method: clinical testing. Allele origin: germline.

GeneDx
Classification: Likely benign. Last evaluated: 2016-08-23. Review status: criteria provided, single submitter. Criteria: GeneDx Variant Classification (06012015). Collection method: clinical testing. Allele origin: germline. Affected: yes.
Comment: This variant is considered likely benign or benign based on one or more of the following criteria: it is a conservative change, it occurs at a poorly conserved position in the protein, it is predicted to be benign by multiple in silico algorithms, and/or has population frequency not consistent with disease.

NM_182961.4(SYNE1):c.22263C>T (p.Pro7421=)

Gene: SYNE1 (spectrin repeat containing nuclear envelope protein 1; minus strand). Cytogenetic location: 6q25.2.
Variant type: single nucleotide variant.
Coding change: c.22263C>T on transcript NM_182961.4 (MANE Select); coding-DNA position 22263, C replaced by T.
Protein change: p.Pro7421=; no amino-acid change (proline 7421 retained).
Molecular consequence: synonymous variant.
Genome position (GRCh38, 1-based): chr6:152,214,989, G>A on the plus strand (C>T on the coding strand, the complement: SYNE1 is on the minus strand). VCF-style: chr6-152214989-G-A. GRCh37 (hg19) VCF-style: chr6-152536124-G-A.
Other names: c.22050C>T, p.Pro7350= (NM_033071.5).
Identifiers: ClinVar variation 388588 (VCV000388588.3), dbSNP rs774062465, ClinGen allele CA4053921.